The following is an entry in ClinVar:

NM_018089.3(ANKZF1):c.1493T>C (p.Leu498Pro)

Gene: ANKZF1 (ankyrin repeat and zinc finger peptidyl tRNA hydrolase 1; plus strand). Cytogenetic location: 2q35.
Variant type: single nucleotide variant.
Coding change: c.1493T>C on transcript NM_018089.3 (MANE Select); coding-DNA position 1493, T replaced by C.
Protein change: p.Leu498Pro; replaces leucine 498 with proline.
Molecular consequence: missense variant.
Genome position (GRCh38, 1-based): chr2:219,235,114, T>C. VCF-style: chr2-219235114-T-C. GRCh37 (hg19) VCF-style: chr2-220099836-T-C.
Other names: c.1493T>C, p.Leu498Pro (NM_001042410.2); c.863T>C, p.Leu288Pro (NM_001282792.2); short protein forms L288P, L498P.
Identifiers: ClinVar variation 1468658 (VCV001468658.8), dbSNP rs780584011, ClinGen allele CA2121078.
Genomic context (GRCh38, chr2:219,235,114, plus strand): 5'-CCTTGGGCCCTTTGCTGGATGAGGCCAAAGCCCCTGGTCAGCCAGAGCTCTGGAATGCAC[T>C]GCTTGCTGCTTGCCGAGCTGGAGATGTTGGAGTGCTAAAGCTGCAGCTAGCTCCCAGCCC-3'
Protein context (NP_060559.2, residues 488-508): APGQPELWNA[Leu498Pro]LAACRAGDVG

ClinVar aggregate classification (germline): Uncertain significance (1 of 4 stars; one submission).

Allele frequency attached by ClinVar (database versions not stated): gnomAD exomes below 0.00001 and 0.00001; ExAC 0.00001.
gnomAD v4.1: 2 of 1,614,236 alleles (0.00012%); highest among the groups gnomAD compares: Middle Eastern, 0.016%; no homozygotes.

Submission:

Labcorp Genetics (formerly Invitae), Labcorp
Classification: Uncertain significance. Last evaluated: 2020-12-05. Review status: criteria provided, single submitter. Criteria: Invitae Variant Classification Sherloc (09022015). Collection method: clinical testing. Allele origin: germline.
Comment: This sequence change replaces leucine with proline at codon 498 of the ANKZF1 protein (p.Leu498Pro). The leucine residue is moderately conserved and there is a moderate physicochemical difference between leucine and proline. This variant is present in population databases (rs780584011, ExAC 0.009%). In summary, the available evidence is currently insufficient to determine the role of this variant in disease. Therefore, it has been classified as a Variant of Uncertain Significance. Algorithms developed to predict the effect of missense changes on protein structure and function are either unavailable or do not agree on the potential impact of this missense change (SIFT: "Deleterious"; PolyPhen-2: "Probably Damaging"; Align-GVGD: "Class C0"). This variant has not been reported in the literature in individuals with ANKZF1-related conditions.